The following is an entry in ClinVar:

ClinVar aggregate classification (germline): Uncertain significance. Review status: criteria provided, multiple submitters, no conflicts (2 of 4 stars). 3 submissions from 3 submitters: Uncertain significance (3). Last evaluated 2026-02-17.

Conditions:
Hereditary sensory and autonomic neuropathy type 7. Also called: Neuropathy, hereditary sensory and autonomic, type VII; HSAN VII. Identifiers: Orphanet 391397, MedGen C3809882, MONDO:0014244, OMIM 615548.
Familial episodic pain syndrome with predominantly lower limb involvement. Also called: Episodic pain syndrome, familial, 3. Identifiers: Orphanet 391384, Orphanet 391392, MedGen C3809899, MONDO:0014247, OMIM 615552.

gnomAD v4.1: 10 of 1,576,274 alleles (0.00063%); highest among the groups gnomAD compares: Non-Finnish European, 0.00087%; no homozygotes.

Submissions (3):

Women's Health and Genetics/Laboratory Corporation of America, LabCorp
Classification: Uncertain significance. Last evaluated: 2026-02-17. Review status: criteria provided, single submitter. Criteria: LabCorp Variant Classification Summary - May 2015. Collection method: clinical testing. Allele origin: germline.
Comment: Variant summary: SCN11A c.4330A>G (p.Thr1444Ala) results in a non-conservative amino acid change in the encoded protein sequence. Algorithms developed to predict the effect of missense changes on protein structure and function are either unavailable or do not agree on the potential impact of this missense change. Consensus agreement among computation tools predict no significant impact on normal splicing. However, these predictions have yet to be confirmed by functional studies. The variant was absent in 236958 control chromosomes. The available data on variant occurrences in the general population are insufficient to allow any conclusion about variant significance. To our knowledge, no occurrence of c.4330A>G in individuals affected with SCN11A-related conditions and no experimental evidence demonstrating its impact on protein function have been reported. ClinVar contains an entry for this variant (Variation ID: 1693402). Based on the evidence outlined above, the variant was classified as uncertain significance.

Labcorp Genetics (formerly Invitae), Labcorp
Classification: Uncertain significance for Familial episodic pain syndrome with predominantly lower limb involvement; Hereditary sensory and autonomic neuropathy type 7. Last evaluated: 2025-08-05. Review status: criteria provided, single submitter. Criteria: Invitae Variant Classification Sherloc (09022015). Collection method: clinical testing. Allele origin: germline.
Comment: This sequence change replaces threonine, which is neutral and polar, with alanine, which is neutral and non-polar, at codon 1444 of the SCN11A protein (p.Thr1444Ala). This variant is not present in population databases (gnomAD no frequency). This variant has not been reported in the literature in individuals affected with SCN11A-related conditions. ClinVar contains an entry for this variant (Variation ID: 1693402). An algorithm developed to predict the effect of missense changes on protein structure and function outputs the following: PolyPhen-2: "Benign". The alanine amino acid residue is found in multiple mammalian species, which suggests that this missense change does not adversely affect protein function. In summary, the available evidence is currently insufficient to determine the role of this variant in disease. Therefore, it has been classified as a Variant of Uncertain Significance.

GeneDx
Classification: Uncertain significance. Last evaluated: 2021-12-30. Review status: criteria provided, single submitter. Criteria: GeneDx Variant Classification Process June 2021. Collection method: clinical testing. Allele origin: germline. Affected: yes.
Comment: Not observed at significant frequency in large population cohorts (gnomAD); In silico analysis supports that this missense variant does not alter protein structure/function; Has not been previously published as pathogenic or benign to our knowledge

NM_001349253.2(SCN11A):c.4330A>G (p.Thr1444Ala)

Gene: SCN11A (sodium voltage-gated channel alpha subunit 11; minus strand). Cytogenetic location: 3p22.2.
Variant type: single nucleotide variant.
Coding change: c.4330A>G on transcript NM_001349253.2 (MANE Select); coding-DNA position 4330, A replaced by G.
Protein change: p.Thr1444Ala; replaces threonine 1444 with alanine.
Molecular consequence: missense variant.
Genome position (GRCh38, 1-based): chr3:38,847,740, T>C on the plus strand (A>G on the coding strand, the complement: SCN11A is on the minus strand). VCF-style: chr3-38847740-T-C. GRCh37 (hg19) VCF-style: chr3-38889231-T-C.
Other names: c.4330A>G, p.Thr1444Ala (NM_014139.3); short protein forms T1444A.
Identifiers: ClinVar variation 1693402 (VCV001693402.6), dbSNP rs2064700068, ClinGen allele CA352164301.
Genomic context (GRCh38, chr3:38,847,740, plus strand): 5'-TTCTGAAGAGCGTCGGAGGGAAAGGAATGTGCTCCTGATTTTCCAAGGTAGAAATCATTG[T>C]ACCTCAGGAGAAGGAGAAAAGTAAATAAGTTTCCAGAAGGCACACTGGTTTCAGATCCAG-3'
Protein context (NP_001336182.1, residues 1434-1454): CVVVLLSIVS[Thr1444Ala]MISTLENQEH